The following is an entry in ClinVar:

NM_005546.4(ITK):c.737G>A (p.Arg246Gln)

Gene: ITK (IL2 inducible T cell kinase; plus strand). Cytogenetic location: 5q33.3.
Variant type: single nucleotide variant.
Coding change: c.737G>A on transcript NM_005546.4 (MANE Select); coding-DNA position 737, G replaced by A.
Protein change: p.Arg246Gln; replaces arginine 246 with glutamine.
Molecular consequence: missense variant.
Genome position (GRCh38, 1-based): chr5:157,232,363, G>A. VCF-style: chr5-157232363-G-A. GRCh37 (hg19) VCF-style: chr5-156659373-G-A.
Other names: c.737G>A (NM_005546.3); short protein forms R246Q.
Identifiers: ClinVar variation 1417177 (VCV001417177.4), dbSNP rs1230916806, ClinGen allele CA361956235.
Genomic context (GRCh38, chr5:157,232,363, plus strand): 5'-AATATGTCATTGACATATGACTTTTCCTTGCTTTCAGGTGGTACAATAAGAGTATCAGCC[G>A]AGACAAAGCTGAAAAACTTCTTTTGGACACAGTAAGTCTCCTTAACCTGTCTTTTGACAT-3'
Protein context (NP_005537.3, residues 236-256): TYEWYNKSIS[Arg246Gln]DKAEKLLLDT

ClinVar aggregate classification (germline): Uncertain significance. Review status: criteria provided, multiple submitters, no conflicts (2 of 4 stars). 2 submissions from 2 submitters: Uncertain significance (2). Last evaluated 2025-04-22.

Conditions:
Lymphoproliferative syndrome 1 (LPFS1). Identifiers: Orphanet 238505, Orphanet 538963, MedGen C3552634, MONDO:0013081, OMIM 613011.

Allele frequency attached by ClinVar (database versions not stated): gnomAD 0.00001.

Submissions (2):

GeneDx
Classification: Uncertain significance. Last evaluated: 2025-04-22. Review status: criteria provided, single submitter. Criteria: GeneDx Variant Classification Process June 2021. Collection method: clinical testing. Allele origin: germline. Affected: yes.
Comment: Not observed at significant frequency in large population cohorts (gnomAD); In silico analysis supports that this missense variant has a deleterious effect on protein structure/function; Has not been previously published as pathogenic or benign to our knowledge

Labcorp Genetics (formerly Invitae), Labcorp
Classification: Uncertain significance for Lymphoproliferative syndrome 1. Last evaluated: 2021-09-17. Review status: criteria provided, single submitter. Criteria: Invitae Variant Classification Sherloc (09022015). Collection method: clinical testing. Allele origin: germline.
Comment: This sequence change replaces arginine with glutamine at codon 246 of the ITK protein (p.Arg246Gln). The arginine residue is highly conserved and there is a small physicochemical difference between arginine and glutamine. This variant is not present in population databases (ExAC no frequency). This variant has not been reported in the literature in individuals affected with ITK-related conditions. Algorithms developed to predict the effect of missense changes on protein structure and function are either unavailable or do not agree on the potential impact of this missense change (SIFT: "Deleterious"; PolyPhen-2: "Probably Damaging"; Align-GVGD: "Class C0"). In summary, the available evidence is currently insufficient to determine the role of this variant in disease. Therefore, it has been classified as a Variant of Uncertain Significance.